The following is an entry in ClinVar:

NM_000268.4(NF2):c.302A>T (p.Tyr101Phe)

Gene: NF2 (NF2, moesin-ezrin-radixin like (MERLIN) tumor suppressor; plus strand). Cytogenetic location: 22q12.2.
Variant type: single nucleotide variant.
Coding change: c.302A>T on transcript NM_000268.4 (MANE Select); coding-DNA position 302, A replaced by T.
Protein change: p.Tyr101Phe; replaces tyrosine 101 with phenylalanine.
Molecular consequence: missense variant. On other transcripts: non-coding transcript variant (1), intron variant (3).
Genome position (GRCh38, 1-based): chr22:29,639,151, A>T. VCF-style: chr22-29639151-A-T. GRCh37 (hg19) VCF-style: chr22-30035140-A-T.
Other names: c.302A>T, p.Tyr101Phe (NM_016418.5, NM_181825.3, NM_181832.3 and 1 more transcripts); c.176A>T, p.Tyr59Phe (NM_181828.3); c.240+2275A>T (NM_181829.3); c.115-3051A>T (NM_181830.3, NM_181831.3); short protein forms Y101F, Y59F.
Identifiers: ClinVar variation 457914 (VCV000457914.17), dbSNP rs1240469044, ClinGen allele CA411153257.

ClinVar aggregate classification (germline): Uncertain significance. Review status: criteria provided, multiple submitters, no conflicts (2 of 4 stars). 4 submissions from 4 submitters: Uncertain significance (4). Last evaluated 2025-09-13.

Conditions:
Hereditary cancer-predisposing syndrome. Also called: Neoplastic Syndromes, Hereditary; Tumor predisposition; Hereditary neoplastic syndrome; Hereditary Cancer Syndrome. Identifiers: Orphanet 140162, MedGen C0027672, MeSH D009386, MONDO:0015356.
Neurofibromatosis, type 2 (SWNV). Also called: BILATERAL ACOUSTIC NEUROFIBROMATOSIS; SCHWANNOMATOSIS, VESTIBULAR; NF2-Related Schwannomatosis. Identifiers: Orphanet 637, MedGen C0027832, MONDO:0007039, OMIM 101000. Disease mechanism: loss of function.

Allele frequency attached by ClinVar (database versions not stated): gnomAD exomes below 0.00001.
gnomAD v4.1: 1 of 1,614,204 alleles (0.000062%); highest among the groups gnomAD compares: Non-Finnish European, 0.000085%; no homozygotes.

Submissions (4):

Ambry Genetics
Classification: Uncertain significance for Hereditary cancer-predisposing syndrome. Last evaluated: 2025-09-13. Review status: criteria provided, single submitter. Criteria: Ambry Variant Classification Scheme 2023. Collection method: clinical testing. Allele origin: germline.
Comment: The p.Y101F variant (also known as c.302A>T), located in coding exon 3 of the NF2 gene, results from an A to T substitution at nucleotide position 302. The tyrosine at codon 101 is replaced by phenylalanine, an amino acid with highly similar properties. This amino acid position is highly conserved in available vertebrate species. In addition, the in silico prediction for this alteration is inconclusive. Since supporting evidence is limited at this time, the clinical significance of this alteration remains unclear.

Labcorp Genetics (formerly Invitae), Labcorp
Classification: Uncertain significance for Neurofibromatosis, type 2. Last evaluated: 2024-10-24. Review status: criteria provided, single submitter. Criteria: Invitae Variant Classification Sherloc (09022015). Collection method: clinical testing. Allele origin: germline.
Comment: This sequence change replaces tyrosine, which is neutral and polar, with phenylalanine, which is neutral and non-polar, at codon 101 of the NF2 protein (p.Tyr101Phe). This variant is not present in population databases (gnomAD no frequency). This variant has not been reported in the literature in individuals affected with NF2-related conditions. ClinVar contains an entry for this variant (Variation ID: 457914). Invitae Evidence Modeling of protein sequence and biophysical properties (such as structural, functional, and spatial information, amino acid conservation, physicochemical variation, residue mobility, and thermodynamic stability) indicates that this missense variant is not expected to disrupt NF2 protein function with a negative predictive value of 80%. In summary, the available evidence is currently insufficient to determine the role of this variant in disease. Therefore, it has been classified as a Variant of Uncertain Significance.

All of Us Research Program, National Institutes of Health
Classification: Uncertain significance for Neurofibromatosis, type 2. Last evaluated: 2023-10-30. Review status: criteria provided, single submitter. Criteria: ACMG Guidelines, 2015. Collection method: clinical testing. Allele origin: germline. Inheritance: Autosomal dominant inheritance. Observed: 2 variant alleles, 2 heterozygotes.
Comment: This missense variant replaces tyrosine with phenylalanine at codon 101 of the NF2 protein. Computational prediction is inconclusive regarding the impact of this variant on protein structure and function (internally defined REVEL score threshold 0.5 < inconclusive < 0.7, PMID: 27666373). To our knowledge, functional studies have not been reported for this variant. This variant has not been reported in individuals affected with NF2-related disorders in the literature. This variant has not been identified in the general population by the Genome Aggregation Database (gnomAD). The available evidence is insufficient to determine the role of this variant in disease conclusively. Therefore, this variant is classified as a Variant of Uncertain Significance.

This study involves interpretation of variants in research participants for the purpose of population health screening. Participant phenotype was not available at the time of variant classification. Additional details can be found in publication PMID: 35346344, PMCID: PMC8962531

Genome-Nilou Lab
Classification: Uncertain significance for Neurofibromatosis, type 2. Last evaluated: 2021-11-07. Review status: criteria provided, single submitter. Criteria: ACMG Guidelines, 2015. Collection method: clinical testing. Allele origin: germline. Affected: no.